The following is an entry in ClinVar:

NM_002439.5(MSH3):c.1648_1649dup (p.Asn550fs)

Gene: MSH3 (mutS homolog 3; plus strand). Cytogenetic location: 5q14.1.
Variant type: Duplication.
Coding change: c.1648_1649dup on transcript NM_002439.5 (MANE Select); coding-DNA positions 1648 to 1649, 2 bases duplicated (AA; older notation c.1648_1649dupAA).
Protein change: p.Asn550fs; shifts the reading frame from asparagine 550.
Molecular consequence: frameshift variant.
Genome position (GRCh38, 1-based): chr5:80,741,543-80,741,544, AA duplicated. VCF-style (leftmost placement, unchanged base first): chr5-80741542-G-GAA. GRCh37 (hg19) VCF-style: chr5-80037361-G-GAA.
Other names: c.1648_1649dup (NM_002439.4); short protein forms N550fs.
Identifiers: ClinVar variation 654940 (VCV000654940.17), dbSNP rs1580597397, ClinGen allele CA915943392.
Genomic context (GRCh38, chr5:80,741,542, plus strand): 5'-AAGTAAAATGGAATTTATGACAATTAATGGAACAACATTAAGGAATCTGGAAATCCTACA[G>GAA]AATCAGGTCAGGCAAATACAAGGGCTAGTTGATTATAAATCGTTTTGGGAAAAACTTCTG-3'

ClinVar aggregate classification (germline): Pathogenic/Likely pathogenic. Review status: criteria provided, multiple submitters, no conflicts (2 of 4 stars). 4 submissions from 4 submitters: Pathogenic (3); Likely pathogenic (1). Last evaluated 2026-01-02.

Conditions:
Hereditary cancer-predisposing syndrome. Also called: Hereditary neoplastic syndrome; Tumor predisposition; Neoplastic Syndromes, Hereditary; Hereditary Cancer Syndrome. Identifiers: Orphanet 140162, MedGen C0027672, MeSH D009386, MONDO:0015356.
Familial adenomatous polyposis 4 (FAP4). Also called: MSH3-related attenuated familial adenomatous polyposis. Identifiers: Orphanet 480536, MedGen C4310719, MONDO:0044300, OMIM 617100.
Endometrial carcinoma. Also called: Endometrial carcinoma, somatic. Identifiers: MedGen C0476089, MONDO:0002447, OMIM 608089, HP:0012114.

Allele frequency attached by ClinVar (database versions not stated): gnomAD exomes 0.00001.

Submissions (4):

Labcorp Genetics (formerly Invitae), Labcorp
Classification: Pathogenic. Last evaluated: 2026-01-02. Review status: criteria provided, single submitter. Criteria: Invitae Variant Classification Sherloc (09022015). Collection method: clinical testing. Allele origin: germline.
Comment: This sequence change creates a premature translational stop signal (p.Asn550Lysfs*6) in the MSH3 gene. It is expected to result in an absent or disrupted protein product. Loss-of-function variants in MSH3 are known to be pathogenic (PMID: 27476653, 37402566). This variant is not present in population databases (gnomAD no frequency). This variant has not been reported in the literature in individuals affected with MSH3-related conditions. ClinVar contains an entry for this variant (Variation ID: 654940). For these reasons, this variant has been classified as Pathogenic.

Ambry Genetics
Classification: Pathogenic for Hereditary cancer-predisposing syndrome. Last evaluated: 2024-04-26. Review status: criteria provided, single submitter. Criteria: Ambry Variant Classification Scheme 2023. Collection method: clinical testing. Allele origin: germline.
Comment: The c.1648_1649dupAA pathogenic mutation, located in coding exon 11 of the MSH3 gene, results from a duplication of AA at nucleotide position 1648, causing a translational frameshift with a predicted alternate stop codon (p.N550Kfs*6). This variant is considered to be rare based on population cohorts in the Genome Aggregation Database (gnomAD). This alteration is expected to result in loss of function by premature protein truncation or nonsense-mediated mRNA decay. As such, this alteration is interpreted as a disease-causing mutation.

Baylor Genetics
Classification: Likely pathogenic for Endometrial carcinoma. Last evaluated: 2024-03-21. Review status: criteria provided, single submitter. Criteria: ACMG Guidelines, 2015. Collection method: clinical testing. Allele origin: unknown.

Myriad Genetics, Inc.
Classification: Pathogenic for Familial adenomatous polyposis 4. Last evaluated: 2023-08-30. Review status: criteria provided, single submitter. Criteria: Myriad Autosomal Dominant, Autosomal Recessive and X-Linked Classification Criteria (2023). Collection method: clinical testing. Allele origin: unknown.
Comment: This variant is considered pathogenic. This variant creates a frameshift predicted to result in premature protein truncation.

Literature cited by the submitters: PubMed 27476653 (cited by Labcorp Genetics (formerly Invitae), Labcorp); PubMed 37402566 (cited by Labcorp Genetics (formerly Invitae), Labcorp).